The following is an entry in ClinVar:

ClinVar aggregate classification (germline): Conflicting classifications of pathogenicity. Review status: criteria provided, conflicting classifications (1 of 4 stars). 13 submissions from 13 submitters: Uncertain significance (7); Likely benign (3). 3 of the submissions do not count toward it. Last evaluated 2024-08-27.

Conditions:
Cardiovascular phenotype. Identifiers: MedGen CN230736.
Cardiomyopathy (CMYO). Also called: Cardiomyopathies. Identifiers: Orphanet 167848, MedGen C0878544, MONDO:0004994, HP:0001638. Inheritance: Various modes of inheritance.

Allele frequency attached by ClinVar (database versions not stated): ExAC 0.00010; gnomAD 0.00010 and 0.00011; gnomAD exomes 0.00010 and 0.00012; TOPMed 0.00012; 1000 Genomes Project 30x 0.00016; ESP Exome Variant Server 0.00017.
gnomAD v4.1: 194 of 1,613,352 alleles (0.012%); highest among the groups gnomAD compares: Non-Finnish European, 0.015%; 1 homozygote.

Submissions (13):

Blueprint Genetics
Classification: Likely benign. Last evaluated: 2024-08-27. Review status: criteria provided, single submitter. Criteria: ACMG Guidelines, 2015. Collection method: clinical testing. Allele origin: germline.

Revvity Omics, Revvity
Classification: Uncertain significance. Last evaluated: 2023-11-30. Review status: criteria provided, single submitter. Criteria: ACMG Guidelines, 2015. Collection method: clinical testing. Allele origin: germline.

Women's Health and Genetics/Laboratory Corporation of America, LabCorp
Classification: Uncertain significance. Last evaluated: 2023-07-22. Review status: criteria provided, single submitter. Criteria: LabCorp Variant Classification Summary - May 2015. Collection method: clinical testing. Allele origin: germline.

CHEO Genetics Diagnostic Laboratory, Children's Hospital of Eastern Ontario
Classification: Likely benign for Cardiomyopathy. Last evaluated: 2023-03-15. Review status: criteria provided, single submitter. Criteria: ACMG Guidelines, 2015. Collection method: clinical testing. Allele origin: germline.

CeGaT Center for Human Genetics Tuebingen
Classification: Uncertain significance. Last evaluated: 2022-10-01. Review status: criteria provided, single submitter. Criteria: CeGaT Center For Human Genetics Tuebingen Variant Classification Criteria Version 2. Collection method: clinical testing. Allele origin: germline. Affected: yes. Observed: 1 variant allele.

Athena Diagnostics
Classification: Uncertain significance. Last evaluated: 2022-07-20. Review status: criteria provided, single submitter. Criteria: Athena Diagnostics Criteria. Collection method: clinical testing. Allele origin: unknown.

ARUP Laboratories, Molecular Genetics and Genomics, ARUP Laboratories
Classification: Uncertain significance. Last evaluated: 2020-04-30. Review status: criteria provided, single submitter. Criteria: ARUP Molecular Germline Variant Investigation Process. Collection method: clinical testing. Allele origin: germline.
Comment: The TTN c.68210C>T; p.Pro22737Leu variant (rs142453163; ClinVar Variation ID: 202864) is rare in the general population (<1% allele frequency in the Genome Aggregation Database) and has not been reported in the medical literature in association with dilated cardiomyopathy (DCM) or other TTN-related disease. The clinical relevance of rare missense variants in this gene, which are identified on average once per individual sequenced in affected populations (Herman 2012), is not well understood. Yet, evidence suggests that the vast majority of such missense variants do not contribute to the clinical outcome of DCM (Begay 2015). Thus, the clinical significance of the p.Pro22737Leu variant cannot be determined with certainty. References: Begay RL et al. Role of Titin Missense Variants in Dilated Cardiomyopathy. J Am Heart Assoc. 2015 Nov 13;4(11). Herman DS et al. Truncations of titin causing dilated cardiomyopathy. N Engl J Med. 2012 Feb 16;366(7):619-28. Linke and Hamdani. Gigantic business: titin properties and function through thick and thin. Circ Res 2014; 114(6): 1052-1068.

GeneDx
Classification: Likely benign. Last evaluated: 2020-03-26. Review status: criteria provided, single submitter. Criteria: GeneDx Variant Classification Process June 2021. Collection method: clinical testing. Allele origin: germline. Affected: yes.

Ambry Genetics
Classification: Uncertain significance for Cardiovascular phenotype. Last evaluated: 2019-12-12. Review status: criteria provided, single submitter. Criteria: Ambry Variant Classification Scheme 2023. Collection method: clinical testing. Allele origin: germline.
Comment: The p.P16240L variant (also known as c.48719C>T), located in coding exon 153 of the TTN gene, results from a C to T substitution at nucleotide position 48719. The proline at codon 16240 is replaced by leucine, an amino acid with similar properties. This amino acid position is not well conserved in available vertebrate species. In addition, the in silico prediction for this alteration is inconclusive. Since supporting evidence is limited at this time, the clinical significance of this alteration remains unclear.

Eurofins Ntd Llc (ga)
Classification: Uncertain significance. Last evaluated: 2017-01-30. Review status: criteria provided, single submitter. Criteria: EGL Classification Definitions 2015. Collection method: clinical testing. Allele origin: germline. Observed: 3 variant alleles, 3 heterozygotes.

Diagnostic Laboratory, Department of Genetics, University Medical Center Groningen
Classification: Uncertain significance. Review status: no assertion criteria provided. Collection method: clinical testing. Allele origin: germline. Affected: yes. Study: VKGL Data-share Consensus. Not counted in ClinVar's aggregate classification.

Joint Genome Diagnostic Labs from Nijmegen and Maastricht, Radboudumc and MUMC+
Classification: Uncertain significance. Review status: no assertion criteria provided. Collection method: clinical testing. Allele origin: germline. Affected: yes. Study: VKGL Data-share Consensus. Not counted in ClinVar's aggregate classification.

Laboratory of Diagnostic Genome Analysis, Leiden University Medical Center (LUMC)
Classification: Uncertain significance. Review status: no assertion criteria provided. Collection method: clinical testing. Allele origin: germline. Affected: yes. Study: VKGL Data-share Consensus. Not counted in ClinVar's aggregate classification.

Literature cited by the submitters: PubMed 26901136 (cited by Athena Diagnostics).

NM_001267550.2(TTN):c.75914C>T (p.Pro25305Leu)

Genes: TTN-AS1 (TTN antisense RNA 1; plus strand), TTN (titin; minus strand). Cytogenetic location: 2q31.2.
Variant type: single nucleotide variant.
Coding change: c.75914C>T on transcript NM_001267550.2 (MANE Select); coding-DNA position 75914, C replaced by T.
Protein change: p.Pro25305Leu; replaces proline 25305 with leucine.
Molecular consequence: missense variant.
Genome position (GRCh38, 1-based): chr2:178,570,218, G>A on the plus strand (C>T on the coding strand, the complement: TTN is on the minus strand). VCF-style: chr2-178570218-G-A. GRCh37 (hg19) VCF-style: chr2-179434945-G-A.
Other names: p.P23664L:CCA>CTA; c.70991C>T, p.Pro23664Leu (NM_001256850.1); c.48719C>T, p.Pro16240Leu (NM_003319.4); c.68210C>T, p.Pro22737Leu (NM_133378.4); c.49094C>T, p.Pro16365Leu (NM_133432.3); c.49295C>T, p.Pro16432Leu (NM_133437.4); c.75914C>T (NM_001267550.1); short protein forms P23664L, P25305L, P22737L, P16365L, P16240L, P16432L.
Identifiers: ClinVar variation 202864 (VCV000202864.54), dbSNP rs142453163, ClinGen allele CA310520.